The following is an entry in ClinVar:

NM_015335.5(MED13L):c.4880A>G (p.Gln1627Arg)

Gene: MED13L (mediator complex subunit 13L; minus strand). Cytogenetic location: 12q24.21.
Variant type: single nucleotide variant.
Coding change: c.4880A>G on transcript NM_015335.5 (MANE Select); coding-DNA position 4880, A replaced by G.
Protein change: p.Gln1627Arg; replaces glutamine 1627 with arginine.
Molecular consequence: missense variant.
Genome position (GRCh38, 1-based): chr12:115,983,192, T>C on the plus strand (A>G on the coding strand, the complement: MED13L is on the minus strand). VCF-style: chr12-115983192-T-C. GRCh37 (hg19) VCF-style: chr12-116420997-T-C.
Other names: short protein forms Q1627R.
Identifiers: ClinVar variation 410100 (VCV000410100.9), dbSNP rs752932375, ClinGen allele CA16613503.

ClinVar aggregate classification (germline): Uncertain significance (1 of 4 stars; one submission).

Conditions:
Dextro-looped transposition of the great arteries. Also called: Dextrotransposition of the great arteries. Identifiers: Orphanet 860, MedGen C3531771, MONDO:0019443, OMIM 608808, HP:0031348.

Allele frequency attached by ClinVar (database versions not stated): TOPMed below 0.00001; gnomAD 0.00001; gnomAD exomes 0.00001.
gnomAD v4.1: 9 of 1,614,026 alleles (0.00056%); highest among the groups gnomAD compares: Non-Finnish European, 0.00076%; no homozygotes.

Submission:

Labcorp Genetics (formerly Invitae), Labcorp
Classification: Uncertain significance for Dextro-looped transposition of the great arteries. Last evaluated: 2016-12-17. Review status: criteria provided, single submitter. Criteria: Invitae Variant Classification Sherloc (09022015). Collection method: clinical testing. Allele origin: germline.
Comment: Algorithms developed to predict the effect of missense changes on protein structure and function (SIFT, PolyPhen-2, Align-GVGD) all suggest that this variant is likely to be tolerated, but these predictions have not been confirmed by published functional studies. This sequence change replaces glutamine with arginine at codon 1627 of the MED13L protein (p.Gln1627Arg). The glutamine residue is weakly conserved and there is a small physicochemical difference between glutamine and arginine. This variant is not present in population databases (ExAC no frequency) and has not been reported in the literature in individuals with a MED13L-related disease. In summary, this variant is a novel missense change that is not predicted to affect protein function. There is no indication that it causes disease, but the available evidence is currently insufficient to prove that conclusively. Therefore, it has been classified as a Variant of Uncertain Significance.